The following is an entry in ClinVar:

NM_001367561.1(DOCK7):c.173T>C (p.Val58Ala)

Gene: DOCK7 (dedicator of cytokinesis 7; minus strand). Cytogenetic location: 1p31.3.
Variant type: single nucleotide variant.
Coding change: c.173T>C on transcript NM_001367561.1 (MANE Select); coding-DNA position 173, T replaced by C.
Protein change: p.Val58Ala; replaces valine 58 with alanine.
Molecular consequence: missense variant.
Genome position (GRCh38, 1-based): chr1:62,654,131, A>G on the plus strand (T>C on the coding strand, the complement: DOCK7 is on the minus strand). VCF-style: chr1-62654131-A-G. GRCh37 (hg19) VCF-style: chr1-63119802-A-G.
Other names: c.173T>C, p.Val58Ala (NM_001271999.2, NM_001272000.2, NM_001272001.2 and 3 more transcripts); short protein forms V58A.
Identifiers: ClinVar variation 1487167 (VCV001487167.3), dbSNP rs2149694700, ClinGen allele CA340704523.

ClinVar aggregate classification (germline): Uncertain significance (1 of 4 stars; one submission).

Conditions:
Developmental and epileptic encephalopathy, 23 (DEE23). Also called: Epileptic encephalopathy, early infantile, 23. Identifiers: Orphanet 411986, MedGen C4014492, MONDO:0014371, OMIM 615859.

gnomAD v4.1: 11 of 1,613,482 alleles (0.00068%); highest among the groups gnomAD compares: Non-Finnish European, 0.00093%; no homozygotes.

Submission:

Labcorp Genetics (formerly Invitae), Labcorp
Classification: Uncertain significance for Developmental and epileptic encephalopathy, 23. Last evaluated: 2021-08-29. Review status: criteria provided, single submitter. Criteria: Invitae Variant Classification Sherloc (09022015). Collection method: clinical testing. Allele origin: germline.
Comment: This sequence change replaces valine with alanine at codon 58 of the DOCK7 protein (p.Val58Ala). The valine residue is moderately conserved and there is a small physicochemical difference between valine and alanine. This variant is not present in population databases (ExAC no frequency). This variant has not been reported in the literature in individuals affected with DOCK7-related conditions. Algorithms developed to predict the effect of missense changes on protein structure and function are either unavailable or do not agree on the potential impact of this missense change (SIFT: "Deleterious"; PolyPhen-2: "Benign"; Align-GVGD: "Class C0"). In summary, the available evidence is currently insufficient to determine the role of this variant in disease. Therefore, it has been classified as a Variant of Uncertain Significance.